The following is an entry in ClinVar:

NM_005235.3(ERBB4):c.2643+79dup

Gene: ERBB4 (erb-b2 receptor tyrosine kinase 4; minus strand). Cytogenetic location: 2q34.
Variant type: Duplication.
Coding change: c.2643+79dup on transcript NM_005235.3 (MANE Select); 79 bases into the intron after coding-DNA position 2643, one base duplicated (A; older notation c.2643+79dupA).
Molecular consequence: intron variant.
Genome position (GRCh38, 1-based): chr2:211,430,866, T duplicated on the plus strand (A on the coding strand, the reverse complement: ERBB4 is on the minus strand); the first of 3 consecutive T bases (chr2:211,430,866-211,430,868); duplicating any one gives the same sequence. VCF-style (leftmost placement, unchanged base first): chr2-211430865-G-GT. GRCh37 (hg19) VCF-style: chr2-212295590-G-GT.
Other names: c.2643+79dup (NM_001042599.2); c.2613+79dup (NM_001439006.1, NM_001439005.1).
Identifiers: ClinVar variation 1181472 (VCV001181472.4), dbSNP rs141267844, ClinGen allele CA65143836.

ClinVar aggregate classification (germline): Benign. Review status: criteria provided, multiple submitters, no conflicts (2 of 4 stars). 2 submissions from 2 submitters: Benign (2). Last evaluated 2024-07-15.

Submissions (2):

Unidad de Genómica Garrahan, Hospital de Pediatría Garrahan
Classification: Benign. Last evaluated: 2024-07-15. Review status: criteria provided, single submitter. Criteria: ACMG Guidelines, 2015. Collection method: clinical testing. Allele origin: germline. Affected: no. Observed: 64 variant alleles.
Comment: This variant is classified as Benign based on local population frequency. This variant was detected in 69% of patients studied in a panel designed for Epileptic and Developmental Encephalopathy and Progressive Myoclonus Epilepsy. Number of patients: 64. Only high quality variants are reported.

GeneDx
Classification: Benign. Last evaluated: 2021-05-11. Review status: criteria provided, single submitter. Criteria: GeneDx Variant Classification Process June 2021. Collection method: clinical testing. Allele origin: germline. Affected: yes.